The following is an entry in ClinVar:

NC_000002.11:g.(?_179605162)_(179607529_?)del

Gene: TTN (titin; minus strand). Cytogenetic location: 2q31.2.
Variant type: Deletion.
Identifiers: ClinVar variation 3247296 (VCV003247296.1).

ClinVar aggregate classification (germline): Uncertain significance (1 of 4 stars; one submission).

Conditions:
Autosomal recessive limb-girdle muscular dystrophy type 2J (LGMDR10). Also called: Limb-girdle muscular dystrophy, type 2J; MUSCULAR DYSTROPHY, LIMB-GIRDLE, AUTOSOMAL RECESSIVE 10. Identifiers: Orphanet 140922, MedGen C1837342, MONDO:0012127, OMIM 608807.
Dilated cardiomyopathy 1G (CMD1G). Identifiers: Orphanet 154, MedGen C1858763, MONDO:0011400, OMIM 604145.

Submission:

Labcorp Genetics (formerly Invitae), Labcorp
Classification: Uncertain significance for Dilated cardiomyopathy 1G; Autosomal recessive limb-girdle muscular dystrophy type 2J. Last evaluated: 2023-05-03. Review status: criteria provided, single submitter. Criteria: Invitae Variant Classification Sherloc (09022015). Collection method: clinical testing. Allele origin: unknown.
Comment: In summary, the available evidence is currently insufficient to determine the role of this variant in disease. Therefore, it has been classified as a Variant of Uncertain Significance. Experimental studies and prediction algorithms are not available or were not evaluated, and the functional significance of this variant is currently unknown. This variant has not been reported in the literature in individuals affected with TTN-related conditions. This variant results in the deletion of part of exon 48 (c.11312-881_12798del) of the TTN gene. It is expected to disrupt RNA splicing and likely results in a truncated or disrupted TTN protein. This variant is located in the I band of TTN (PMID: 25589632). Truncating variants in this region have been shown to be highly prevalent in the general population and unaffected individuals (PMID: 26701604, 22335739). However, truncating variants in this region have also been reported in individuals affected with autosomal recessive centronuclear myopathy (PMID: 23975875).

Literature cited by the submitters: PubMed 25589632; PubMed 26701604; PubMed 22335739; PubMed 23975875.